The following is an entry in ClinVar:

ClinVar aggregate classification (germline): Uncertain significance (1 of 4 stars; one submission).

Conditions:
Severe combined immunodeficiency due to DNA-PKcs deficiency. Also called: IMMUNODEFICIENCY 26 WITH NEUROLOGIC ABNORMALITIES; Immunodeficiency 26 with or without neurologic abnormalities. Identifiers: Orphanet 317425, MedGen C4014833, MONDO:0014423, OMIM 615966.

Submission:

Labcorp Genetics (formerly Invitae), Labcorp
Classification: Uncertain significance for Severe combined immunodeficiency due to DNA-PKcs deficiency. Last evaluated: 2019-03-14. Review status: criteria provided, single submitter. Criteria: Invitae Variant Classification Sherloc (09022015). Collection method: clinical testing. Allele origin: germline.
Comment: In summary, the available evidence is currently insufficient to determine the role of this variant in disease. Therefore, it has been classified as a Variant of Uncertain Significance. This variant has not been reported in the literature in individuals with PRKDC-related conditions. This variant is a gross deletion of the genomic region encompassing exons 72-86 of the PRKDC gene. The 5' boundary is likely confined to intron 71. The 3' end of this event is unknown as it extends through the termination codon beyond the assayed region for this gene and may encompass additional genes. While this deletion is not anticipated to result in nonsense mediated decay, it is expected to create a truncated protein product or disrupt mRNA translation.

NC_000008.11:g.(?_47774153)_(47799410_?)del

Gene: PRKDC (protein kinase, DNA-activated, catalytic subunit; minus strand). Cytogenetic location: 8q11.21.
Variant type: Deletion.
Identifiers: ClinVar variation 833239 (VCV000833239.6).